The following is an entry in ClinVar:

ClinVar aggregate classification (germline): Uncertain significance. Review status: criteria provided, multiple submitters, no conflicts (2 of 4 stars). 2 submissions from 2 submitters: Uncertain significance (2). Last evaluated 2025-12-23.

Conditions:
Meier-Gorlin syndrome 5 (MGORS5). Identifiers: Orphanet 2554, MedGen C3151126, MONDO:0013432, OMIM 613805.

Allele frequency attached by ClinVar (database versions not stated): gnomAD exomes 0.00002 and 0.00003; gnomAD 0.00003; ExAC 0.00004.
gnomAD v4.1: 38 of 1,612,092 alleles (0.0024%); highest among the groups gnomAD compares: Middle Eastern, 0.016%; no homozygotes.

Submissions (2):

Labcorp Genetics (formerly Invitae), Labcorp
Classification: Uncertain significance. Last evaluated: 2025-12-23. Review status: criteria provided, single submitter. Criteria: Invitae Variant Classification Sherloc (09022015). Collection method: clinical testing. Allele origin: germline.
Comment: This sequence change replaces valine, which is neutral and non-polar, with alanine, which is neutral and non-polar, at codon 282 of the CDC6 protein (p.Val282Ala). This variant is present in population databases (rs779528702, gnomAD 0.007%). This variant has not been reported in the literature in individuals affected with CDC6-related conditions. ClinVar contains an entry for this variant (Variation ID: 323057). An algorithm developed to predict the effect of missense changes on protein structure and function (PolyPhen-2) suggests that this variant is likely to be tolerated. In summary, the available evidence is currently insufficient to determine the role of this variant in disease. Therefore, it has been classified as a Variant of Uncertain Significance.

Illumina Laboratory Services, Illumina
Classification: Uncertain significance for Meier-Gorlin syndrome 5. Last evaluated: 2018-01-13. Review status: criteria provided, single submitter. Criteria: ICSL Variant Classification Criteria 13 December 2019. Collection method: clinical testing. Allele origin: germline.

NM_001254.4(CDC6):c.845T>C (p.Val282Ala)

Gene: CDC6 (cell division cycle 6; plus strand). Cytogenetic location: 17q21.2.
Variant type: single nucleotide variant.
Coding change: c.845T>C on transcript NM_001254.4 (MANE Select); coding-DNA position 845, T replaced by C.
Protein change: p.Val282Ala; replaces valine 282 with alanine.
Molecular consequence: missense variant.
Genome position (GRCh38, 1-based): chr17:40,293,958, T>C. VCF-style: chr17-40293958-T-C. GRCh37 (hg19) VCF-style: chr17-38450210-T-C.
Other names: short protein forms V282A.
Identifiers: ClinVar variation 323057 (VCV000323057.8), dbSNP rs779528702, ClinGen allele CA8541988.